The following is an entry in ClinVar:

ClinVar aggregate classification (germline): Pathogenic. Review status: criteria provided, multiple submitters, no conflicts (2 of 4 stars). 2 submissions from 2 submitters: Pathogenic (2). Last evaluated 2024-01-02.

Conditions:
Hereditary cancer-predisposing syndrome. Also called: Hereditary Cancer Syndrome; Hereditary neoplastic syndrome; Neoplastic Syndromes, Hereditary; Tumor predisposition. Identifiers: Orphanet 140162, MedGen C0027672, MeSH D009386, MONDO:0015356.
Breast-ovarian cancer, familial, susceptibility to, 3. Also called: RAD51C-Related Breast/Ovarian Cancer. Identifiers: Orphanet 145, MedGen C3150659, MONDO:0013253, OMIM 613399.

Allele frequency attached by ClinVar (database versions not stated): gnomAD exomes below 0.00001.
gnomAD v4.1: 2 of 1,614,124 alleles (0.00012%); highest among the groups gnomAD compares: South Asian, 0.0011%; no homozygotes.

Submissions (2):

Myriad Genetics, Inc.
Classification: Pathogenic for Breast-ovarian cancer, familial, susceptibility to, 3. Last evaluated: 2024-01-02. Review status: criteria provided, single submitter. Criteria: Myriad Autosomal Dominant, Autosomal Recessive and X-Linked Classification Criteria (2023). Collection method: clinical testing. Allele origin: unknown.
Comment: This variant is considered pathogenic. This variant creates a termination codon and is predicted to result in premature protein truncation.

Ambry Genetics
Classification: Pathogenic for Hereditary cancer-predisposing syndrome. Last evaluated: 2020-09-28. Review status: criteria provided, single submitter. Criteria: Ambry Variant Classification Scheme 2023. Collection method: clinical testing. Allele origin: germline.
Comment: The p.Q143* pathogenic mutation (also known as c.427C>T), located in coding exon 3 of the RAD51C gene, results from a C to T substitution at nucleotide position 427. This changes the amino acid from a glutamine to a stop codon within coding exon 3. This variant was not reported in population-based cohorts in the Genome Aggregation Database (gnomAD). This alteration is expected to result in loss of function by premature protein truncation or nonsense-mediated mRNA decay. As such, this alteration is interpreted as a disease-causing mutation.

NM_058216.3(RAD51C):c.427C>T (p.Gln143Ter)

Gene: RAD51C (RAD51 paralog C; plus strand). Cytogenetic location: 17q22.
Variant type: single nucleotide variant.
Coding change: c.427C>T on transcript NM_058216.3 (MANE Select); coding-DNA position 427, C replaced by T.
Protein change: p.Gln143Ter; replaces glutamine 143 with a stop codon.
Molecular consequence: nonsense.
Genome position (GRCh38, 1-based): chr17:58,696,715, C>T. VCF-style: chr17-58696715-C-T. GRCh37 (hg19) VCF-style: chr17-56774076-C-T.
Other names: short protein forms Q143*.
Identifiers: ClinVar variation 1739327 (VCV001739327.2), dbSNP rs2143744121, ClinGen allele CA400343958.